The following is an entry in ClinVar:

ClinVar aggregate classification (germline): Uncertain significance (1 of 4 stars; one submission).

Submission:

Ambry Genetics
Classification: Uncertain significance. Last evaluated: 2023-04-23. Review status: criteria provided, single submitter. Criteria: Ambry Variant Classification Scheme 2023. Collection method: clinical testing. Allele origin: germline.
Comment: The p.R115K variant (also known as c.344G>A), located in coding exon 5 of the FAM175A gene, results from a G to A substitution at nucleotide position 344. The arginine at codon 115 is replaced by lysine, an amino acid with highly similar properties. This amino acid position is conserved. In addition, this alteration is predicted to be tolerated by in silico analysis. Since supporting evidence is limited at this time, the clinical significance of this alteration remains unclear.

NM_139076.3(ABRAXAS1):c.344G>A (p.Arg115Lys)

Gene: ABRAXAS1 (abraxas 1, BRCA1 A complex subunit; minus strand). Cytogenetic location: 4q21.23.
Variant type: single nucleotide variant.
Coding change: c.344G>A on transcript NM_139076.3 (MANE Select); coding-DNA position 344, G replaced by A.
Protein change: p.Arg115Lys; replaces arginine 115 with lysine.
Molecular consequence: missense variant.
Genome position (GRCh38, 1-based): chr4:83,470,335, C>T on the plus strand (G>A on the coding strand, the complement: ABRAXAS1 is on the minus strand). VCF-style: chr4-83470335-C-T. GRCh37 (hg19) VCF-style: chr4-84391488-C-T.
Other names: c.17G>A, p.Arg6Lys (NM_001345962.2); short protein forms R6K, R115K.
Identifiers: ClinVar variation 2563996 (VCV002563996.2), dbSNP rs1171616354, ClinGen allele CA357260047.